The following is an entry in ClinVar:

ClinVar aggregate classification (germline): Pathogenic (1 of 4 stars; one submission).

Submission:

GeneDx
Classification: Pathogenic. Last evaluated: 2023-09-23. Review status: criteria provided, single submitter. Criteria: GeneDx Variant Classification Process June 2021. Collection method: clinical testing. Allele origin: germline. Affected: yes.
Comment: Frameshift variant predicted to result in protein truncation or nonsense mediated decay in a gene for which loss of function is a known mechanism of disease; Not observed at significant frequency in large population cohorts (gnomAD); Has not been previously published as pathogenic or benign to our knowledge

NM_001080517.3(SETD5):c.821del (p.Gly274fs)

Gene: SETD5 (SET domain containing 5; plus strand). Cytogenetic location: 3p25.3.
Variant type: Deletion.
Coding change: c.821del on transcript NM_001080517.3 (MANE Select); coding-DNA position 821, one base deleted (G; older notation c.821delG).
Protein change: p.Gly274fs; shifts the reading frame from glycine 274.
Molecular consequence: frameshift variant.
Genome position (GRCh38, 1-based): chr3:9,441,603, G deleted; the last of 3 consecutive G bases (chr3:9,441,601-9,441,603); deleting any one gives the same sequence. VCF-style (leftmost placement, unchanged base first): chr3-9441600-TG-T. GRCh37 (hg19) VCF-style: chr3-9483284-TG-T.
Other names: c.527del, p.Gly176fs (NM_001292043.2, NM_001349451.2); c.821delG (NM_001080517.1); c.821del (NM_001080517.1); short protein forms G176fs, G274fs.
Identifiers: ClinVar variation 817327 (VCV000817327.3), dbSNP rs1575427309, ClinGen allele CA915941809.